The following is an entry in ClinVar:

ClinVar aggregate classification (germline): Uncertain significance (1 of 4 stars; one submission).

Conditions:
Dilated cardiomyopathy 1DD (CMD1DD). Identifiers: Orphanet 154, MedGen C2750995, MONDO:0013168, OMIM 613172.

gnomAD v4.1: 2 of 1,551,710 alleles (0.00013%); highest among the groups gnomAD compares: East Asian, 0.0049%; no homozygotes.

Submission:

Labcorp Genetics (formerly Invitae), Labcorp
Classification: Uncertain significance for Dilated cardiomyopathy 1DD. Last evaluated: 2022-04-22. Review status: criteria provided, single submitter. Criteria: Invitae Variant Classification Sherloc (09022015). Collection method: clinical testing. Allele origin: germline.
Comment: This variant is not present in population databases (gnomAD no frequency). This sequence change replaces aspartic acid, which is acidic and polar, with glutamic acid, which is acidic and polar, at codon 786 of the RBM20 protein (p.Asp786Glu). This variant has not been reported in the literature in individuals affected with RBM20-related conditions. In summary, the available evidence is currently insufficient to determine the role of this variant in disease. Therefore, it has been classified as a Variant of Uncertain Significance. Advanced modeling of protein sequence and biophysical properties (such as structural, functional, and spatial information, amino acid conservation, physicochemical variation, residue mobility, and thermodynamic stability) performed at Invitae indicates that this missense variant is not expected to disrupt RBM20 protein function.

NM_001134363.3(RBM20):c.2358C>A (p.Asp786Glu)

Gene: RBM20 (RNA binding motif protein 20; plus strand). Cytogenetic location: 10q25.2.
Variant type: single nucleotide variant.
Coding change: c.2358C>A on transcript NM_001134363.3 (MANE Select); coding-DNA position 2358, C replaced by A.
Protein change: p.Asp786Glu; replaces aspartic acid 786 with glutamic acid.
Molecular consequence: missense variant.
Genome position (GRCh38, 1-based): chr10:110,812,755, C>A. VCF-style: chr10-110812755-C-A. GRCh37 (hg19) VCF-style: chr10-112572513-C-A.
Other names: short protein forms D786E.
Identifiers: ClinVar variation 1440203 (VCV001440203.6), dbSNP rs1045844360, ClinGen allele CA378373555.